The following is an entry in ClinVar:

ClinVar aggregate classification (germline): Uncertain significance. Review status: criteria provided, multiple submitters, no conflicts (2 of 4 stars). 2 submissions from 2 submitters: Uncertain significance (2). Last evaluated 2025-12-11.

Conditions:
Spastic paraplegia. Identifiers: MedGen C0037772, HP:0001258.

gnomAD v4.1: 77 of 1,613,322 alleles (0.0048%); highest among the groups gnomAD compares: Non-Finnish European, 0.0058%; no homozygotes.

Submissions (2):

Labcorp Genetics (formerly Invitae), Labcorp
Classification: Uncertain significance for Spastic paraplegia. Last evaluated: 2025-12-11. Review status: criteria provided, single submitter. Criteria: Invitae Variant Classification Sherloc (09022015). Collection method: clinical testing. Allele origin: germline.
Comment: This sequence change replaces alanine, which is neutral and non-polar, with serine, which is neutral and polar, at codon 414 of the ARSI protein (p.Ala414Ser). This variant is present in population databases (rs745663592, gnomAD 0.008%). This variant has not been reported in the literature in individuals affected with ARSI-related conditions. ClinVar contains an entry for this variant (Variation ID: 1509846). An algorithm developed to predict the effect of missense changes on protein structure and function (PolyPhen-2) suggests that this variant is likely to be disruptive. In summary, the available evidence is currently insufficient to determine the role of this variant in disease. Therefore, it has been classified as a Variant of Uncertain Significance.

Ambry Genetics
Classification: Uncertain significance. Last evaluated: 2023-06-23. Review status: criteria provided, single submitter. Criteria: Ambry Variant Classification Scheme 2023. Collection method: clinical testing. Allele origin: germline.

NM_001012301.4(ARSI):c.1240G>T (p.Ala414Ser)

Gene: ARSI (arylsulfatase family member I; minus strand). Cytogenetic location: 5q32.
Variant type: single nucleotide variant.
Coding change: c.1240G>T on transcript NM_001012301.4 (MANE Select); coding-DNA position 1240, G replaced by T.
Protein change: p.Ala414Ser; replaces alanine 414 with serine.
Molecular consequence: missense variant.
Genome position (GRCh38, 1-based): chr5:150,297,684, C>A on the plus strand (G>T on the coding strand, the complement: ARSI is on the minus strand). VCF-style: chr5-150297684-C-A. GRCh37 (hg19) VCF-style: chr5-149677247-C-A.
Other names: c.1240G>T (NM_001012301.2); short protein forms A414S.
Identifiers: ClinVar variation 1509846 (VCV001509846.7), dbSNP rs745663592, ClinGen allele CA3510137.